The following is an entry in ClinVar:

ClinVar aggregate classification (germline): Uncertain significance (1 of 4 stars; one submission).

Submission:

Labcorp Genetics (formerly Invitae), Labcorp
Classification: Uncertain significance. Last evaluated: 2025-02-03. Review status: criteria provided, single submitter. Criteria: Invitae Variant Classification Sherloc (09022015). Collection method: clinical testing. Allele origin: germline.
Comment: This sequence change replaces proline, which is neutral and non-polar, with leucine, which is neutral and non-polar, at codon 435 of the TLR7 protein (p.Pro435Leu). This variant is not present in population databases (gnomAD no frequency). This variant has not been reported in the literature in individuals affected with TLR7-related conditions. An algorithm developed to predict the effect of missense changes on protein structure and function (PolyPhen-2) suggests that this variant is likely to be tolerated. In summary, the available evidence is currently insufficient to determine the role of this variant in disease. Therefore, it has been classified as a Variant of Uncertain Significance.

NM_016562.4(TLR7):c.1304C>T (p.Pro435Leu)

Gene: TLR7 (toll like receptor 7; plus strand). Cytogenetic location: Xp22.2.
Variant type: single nucleotide variant.
Coding change: c.1304C>T on transcript NM_016562.4 (MANE Select); coding-DNA position 1304, C replaced by T.
Protein change: p.Pro435Leu; replaces proline 435 with leucine.
Molecular consequence: missense variant.
Genome position (GRCh38, 1-based): chrX:12,886,812, C>T. VCF-style: chrX-12886812-C-T. GRCh37 (hg19) VCF-style: chrX-12904931-C-T.
Other names: short protein forms P435L.
Identifiers: ClinVar variation 4712200 (VCV004712200.1).